The following is an entry in ClinVar:

ClinVar aggregate classification (germline): Likely benign (1 of 4 stars; one submission).

Conditions:
BAP1-related tumor predisposition syndrome (TPDS1). Also called: BAP1 tumor predisposition syndrome; Tumor susceptibility linked to germline BAP1 mutations; COMMON Syndrome; TUMOR PREDISPOSITION SYNDROME 1. Identifiers: Orphanet 289539, MedGen C3280492, MONDO:0013692, OMIM 614327.

Submission:

Myriad Genetics, Inc.
Classification: Likely benign for BAP1-related tumor predisposition syndrome. Last evaluated: 2024-07-17. Review status: criteria provided, single submitter. Criteria: Myriad Autosomal Dominant, Autosomal Recessive and X-Linked Classification Criteria (2023). Collection method: clinical testing. Allele origin: unknown.
Comment: This variant is considered likely benign. This variant is intronic and is not expected to impact mRNA splicing.

NM_004656.4(BAP1):c.1984-10_1984-8del

Gene: BAP1 (BRCA1 associated deubiquitinase 1; minus strand). Cytogenetic location: 3p21.1.
Variant type: Deletion.
Coding change: c.1984-10_1984-8del on transcript NM_004656.4 (MANE Select); 10 bases into the intron before coding-DNA position 1984 through 8 bases into the intron before coding-DNA position 1984, 3 bases deleted (TCT; older notation c.1984-10_1984-8delTCT).
Molecular consequence: intron variant.
Genome position (GRCh38, 1-based): chr3:52,402,682-52,402,684, AGA deleted on the plus strand (TCT on the coding strand, the reverse complement: BAP1 is on the minus strand). VCF-style (leftmost placement, unchanged base first): chr3-52402681-GAGA-G. GRCh37 (hg19) VCF-style: chr3-52436697-GAGA-G.
Other names: c.1930-10_1930-8del (NM_001410772.1).
Identifiers: ClinVar variation 3379159 (VCV003379159.1).
Genomic context (GRCh38, chr3:52,402,681, plus strand): 5'-GATAAAGGTGCAGATGAACTCATCGTAGTTGTGGGTCCTTCTCTGGTCATCAATCTGTAG[GAGA>G]GAAGAAGACTGAGAGCACTGGAGCCAATCTTGCCAGAGCAGCCACCAGTGGACCTCGGGA-3'